The following is an entry in ClinVar:

NM_007194.4(CHEK2):c.331G>A (p.Asp111Asn)

Gene: CHEK2 (checkpoint kinase 2; minus strand). Cytogenetic location: 22q12.1.
Variant type: single nucleotide variant.
Coding change: c.331G>A on transcript NM_007194.4 (MANE Select); coding-DNA position 331, G replaced by A.
Protein change: p.Asp111Asn; replaces aspartic acid 111 with asparagine.
Molecular consequence: missense variant.
Genome position (GRCh38, 1-based): chr22:28,725,356, C>T on the plus strand (G>A on the coding strand, the complement: CHEK2 is on the minus strand). VCF-style: chr22-28725356-C-T. GRCh37 (hg19) VCF-style: chr22-29121344-C-T.
Other names: c.460G>A, p.Asp154Asn (NM_001005735.3); c.-447G>A (NM_001257387.3); c.331G>A, p.Asp111Asn (NM_001349956.3, NM_145862.3); short protein forms D111N, D154N.
Identifiers: ClinVar variation 1171193 (VCV001171193.2), dbSNP rs1569159072, ClinGen allele CA411108262.

ClinVar aggregate classification (germline): Uncertain significance (1 of 4 stars; one submission).

Conditions:
Hereditary cancer-predisposing syndrome. Also called: Tumor predisposition; Hereditary neoplastic syndrome; Hereditary Cancer Syndrome; Neoplastic Syndromes, Hereditary. Identifiers: Orphanet 140162, MedGen C0027672, MeSH D009386, MONDO:0015356.

Submission:

Color Diagnostics, LLC DBA Color Health
Classification: Uncertain significance for Hereditary cancer-predisposing syndrome. Last evaluated: 2020-11-24. Review status: criteria provided, single submitter. Criteria: ACMG Guidelines, 2015. Collection method: clinical testing. Allele origin: germline.
Comment: This missense variant replaces aspartic acid with asparagine at codon 111 of the CHEK2 protein. Computational prediction suggests that this variant may not impact protein structure and function (internally defined REVEL score threshold <= 0.5, PMID: 27666373). To our knowledge, functional studies have not been reported for this variant. This variant has not been reported in individuals affected with hereditary cancer in the literature. This variant has not been identified in the general population by the Genome Aggregation Database (gnomAD). The available evidence is insufficient to determine the role of this variant in disease conclusively. Therefore, this variant is classified as a Variant of Uncertain Significance.